The following is an entry in ClinVar:

NM_020987.5(ANK3):c.2431G>T (p.Val811Leu)

Gene: ANK3 (ankyrin 3; minus strand). Cytogenetic location: 10q21.2.
Variant type: single nucleotide variant.
Coding change: c.2431G>T on transcript NM_020987.5 (MANE Select); coding-DNA position 2431, G replaced by T.
Protein change: p.Val811Leu; replaces valine 811 with leucine.
Molecular consequence: missense variant.
Genome position (GRCh38, 1-based): chr10:60,172,355, C>A on the plus strand (G>T on the coding strand, the complement: ANK3 is on the minus strand). VCF-style: chr10-60172355-C-A. GRCh37 (hg19) VCF-style: chr10-61932113-C-A.
Other names: c.2413G>T, p.Val805Leu (NM_001204403.2); c.2380G>T, p.Val794Leu (NM_001204404.2); c.2431G>T, p.Val811Leu (NM_001320874.2); short protein forms V805L, V811L, V794L.
Identifiers: ClinVar variation 2128617 (VCV002128617.4), dbSNP rs2493215099, ClinGen allele CA376985009.

ClinVar aggregate classification (germline): Uncertain significance (1 of 4 stars; one submission).

gnomAD v4.1: 1 of 1,614,046 alleles (0.000062%); highest among the groups gnomAD compares: South Asian, 0.0011%; no homozygotes.

Submission:

Labcorp Genetics (formerly Invitae), Labcorp
Classification: Uncertain significance. Last evaluated: 2024-08-12. Review status: criteria provided, single submitter. Criteria: Invitae Variant Classification Sherloc (09022015). Collection method: clinical testing. Allele origin: germline.
Comment: This sequence change replaces valine, which is neutral and non-polar, with leucine, which is neutral and non-polar, at codon 811 of the ANK3 protein (p.Val811Leu). This variant is not present in population databases (gnomAD no frequency). This variant has not been reported in the literature in individuals affected with ANK3-related conditions. ClinVar contains an entry for this variant (Variation ID: 2128617). Advanced modeling of protein sequence and biophysical properties (such as structural, functional, and spatial information, amino acid conservation, physicochemical variation, residue mobility, and thermodynamic stability) performed at Invitae indicates that this missense variant is not expected to disrupt ANK3 protein function with a negative predictive value of 80%. In summary, the available evidence is currently insufficient to determine the role of this variant in disease. Therefore, it has been classified as a Variant of Uncertain Significance.